The following is an entry in ClinVar:

ClinVar aggregate classification (germline): Uncertain significance (1 of 4 stars; one submission).

gnomAD v4.1: 7 of 1,614,186 alleles (0.00043%); highest among the groups gnomAD compares: South Asian, 0.0077%; no homozygotes.

Submission:

Ambry Genetics
Classification: Uncertain significance. Last evaluated: 2024-10-11. Review status: criteria provided, single submitter. Criteria: Ambry Variant Classification Scheme 2023. Collection method: clinical testing. Allele origin: germline.
Comment: The p.E297V variant (also known as c.890A>T), located in coding exon 3 of the TERF2IP gene, results from an A to T substitution at nucleotide position 890. The glutamic acid at codon 297 is replaced by valine, an amino acid with dissimilar properties. This amino acid position is conserved. In addition, this alteration is predicted to be tolerated by in silico analysis. Based on the available evidence, the clinical significance of this variant remains unclear.

NM_018975.4(TERF2IP):c.890A>T (p.Glu297Val)

Gene: TERF2IP (TERF2 interacting protein; plus strand). Cytogenetic location: 16q23.1.
Variant type: single nucleotide variant.
Coding change: c.890A>T on transcript NM_018975.4 (MANE Select); coding-DNA position 890, A replaced by T.
Protein change: p.Glu297Val; replaces glutamic acid 297 with valine.
Molecular consequence: missense variant. On other transcripts: non-coding transcript variant (1).
Genome position (GRCh38, 1-based): chr16:75,656,301, A>T. VCF-style: chr16-75656301-A-T. GRCh37 (hg19) VCF-style: chr16-75690199-A-T.
Other names: short protein forms E297V.
Identifiers: ClinVar variation 3455122 (VCV003455122.1).
Genomic context (GRCh38, chr16:75,656,301, plus strand): 5'-TAACTATGTGTGATGATGATCCACCCACACCTGAGGAAGACTCAGAAACACAGCCTGATG[A>T]GGAGGAAGAAGAAGAAGAAGAAAAAGTTTCTCAACCAGAGGTGGGAGCTGCCATTAAGAT-3'
Protein context (NP_061848.2, residues 287-307): PEEDSETQPD[Glu297Val]EEEEEEEKVS